The following is an entry in ClinVar:

NM_006662.3(SRCAP):c.7537_7538delinsGTGTA (p.Pro2513delinsValTer)

Gene: SRCAP (Snf2 related CREBBP activator protein; plus strand). Cytogenetic location: 16p11.2.
Variant type: Indel.
Coding change: c.7537_7538delinsGTGTA on transcript NM_006662.3 (MANE Select); coding-DNA positions 7537 to 7538, CC replaced by GTGTA.
Protein change: p.Pro2513delinsValTer.
Molecular consequence: nonsense.
Genome position (GRCh38, 1-based): chr16:30,737,577-30,737,578, CC replaced by GTGTA. VCF-style: chr16-30737577-CC-GTGTA. GRCh37 (hg19) VCF-style: chr16-30748898-CC-GTGTA.
Identifiers: ClinVar variation 4535723 (VCV004535723.1).
Genomic context (GRCh38, chr16:30,737,577, plus strand): 5'-CCTTGTTCTTCTCCTGCCTGCACCCCTCCTCCTGCCTGTACCCCTCCACCAGCTCATACA[CC>GTGTA]GCCTCCAGCCCAAACCTGTCTTGTAACTCCTTCCTCTCCTCTCTTGCTTGGTCCACCTTC-3'

ClinVar aggregate classification (germline): Pathogenic (1 of 4 stars; one submission).

Conditions:
Floating-Harbor syndrome (FLHS). Also called: Short stature with delayed bone age, expressive language delay, a triangular face with a prominent nose and deep-set eyes; Pelletier-Leisti syndrome; SRCAP-Related Floating-Harbor Syndrome. Identifiers: Orphanet 2044, MedGen C0729582, MONDO:0007621, OMIM 136140.

Submission:

Women's Health and Genetics/Laboratory Corporation of America, LabCorp
Classification: Pathogenic for Floating-Harbor syndrome. Last evaluated: 2025-09-05. Review status: criteria provided, single submitter. Criteria: LabCorp Variant Classification Summary - May 2015. Collection method: clinical testing. Allele origin: germline.
Comment: Variant summary: SRCAP c.7537_7538delinsGTGTA (p.Pro2513ValX2) results in a premature termination codon, predicted to cause a truncation of the encoded protein or absence of the protein, which are commonly known mechanisms for disease. The variant was absent in 251430 control chromosomes. To our knowledge, no occurrence of c.7537_7538delinsGTGTA in individuals affected with SRCAP-related conditions and no experimental evidence demonstrating its impact on protein function have been reported. However, at least one downstream truncating variant has been observed in an individual with Floating-Harbor syndrome (PMID: 22265015) and has been classified as pathogenic. No submitters have cited clinical-significance assessments for this variant to ClinVar. Based on the evidence outlined above, the variant was classified as pathogenic.